The following is an entry in ClinVar:

ClinVar aggregate classification (germline): Uncertain significance (1 of 4 stars; one submission).

Submission:

Labcorp Genetics (formerly Invitae), Labcorp
Classification: Uncertain significance. Last evaluated: 2023-06-30. Review status: criteria provided, single submitter. Criteria: Invitae Variant Classification Sherloc (09022015). Collection method: clinical testing. Allele origin: germline.
Comment: This variant has not been reported in the literature in individuals affected with GPR179-related conditions. This variant is not present in population databases (gnomAD no frequency). This sequence change replaces asparagine, which is neutral and polar, with lysine, which is basic and polar, at codon 408 of the GPR179 protein (p.Asn408Lys). In summary, the available evidence is currently insufficient to determine the role of this variant in disease. Therefore, it has been classified as a Variant of Uncertain Significance. An algorithm developed to predict the effect of missense changes on protein structure and function (PolyPhen-2) suggests that this variant is likely to be tolerated. ClinVar contains an entry for this variant (Variation ID: 1522357).

NM_001004334.4(GPR179):c.1224C>G (p.Asn408Lys)

Gene: GPR179 (G protein-coupled receptor 179; minus strand). Cytogenetic location: 17q12.
Variant type: single nucleotide variant.
Coding change: c.1224C>G on transcript NM_001004334.4 (MANE Select); coding-DNA position 1224, C replaced by G.
Protein change: p.Asn408Lys; replaces asparagine 408 with lysine.
Molecular consequence: missense variant.
Genome position (GRCh38, 1-based): chr17:38,336,981, G>C on the plus strand (C>G on the coding strand, the complement: GPR179 is on the minus strand). VCF-style: chr17-38336981-G-C. GRCh37 (hg19) VCF-style: chr17-36492864-G-C.
Other names: short protein forms N408K.
Identifiers: ClinVar variation 1522357 (VCV001522357.8), dbSNP rs2144272580, ClinGen allele CA398887528.